The following is an entry in ClinVar:

NM_001235.5(SERPINH1):c.140_141delinsTT (p.Ser47Ile)

Gene: SERPINH1 (serpin family H member 1; plus strand). Cytogenetic location: 11q13.5.
Variant type: Indel.
Coding change: c.140_141delinsTT on transcript NM_001235.5 (MANE Select); coding-DNA positions 140 to 141, GC replaced by TT.
Protein change: p.Ser47Ile; replaces serine 47 with isoleucine.
Molecular consequence: missense variant.
Genome position (GRCh38, 1-based): chr11:75,566,489-75,566,490, GC replaced by TT. VCF-style: chr11-75566489-GC-TT. GRCh37 (hg19) VCF-style: chr11-75277534-GC-TT.
Other names: c.140_141delinsTT, p.Ser47Ile (NM_001207014.3); short protein forms S47I.
Identifiers: ClinVar variation 452758 (VCV000452758.2), dbSNP rs1555025879, ClinGen allele CA658658081.

ClinVar aggregate classification (germline): Uncertain significance (1 of 4 stars; one submission).

Submission:

GeneDx
Classification: Uncertain significance. Last evaluated: 2017-10-09. Review status: criteria provided, single submitter. Criteria: GeneDx Variant Classification (06012015). Collection method: clinical testing. Allele origin: germline. Affected: yes.
Comment: The c.140_141delGCinsTT variant has not been published as a pathogenic variant, nor has it been reported as a benign variant to our knowledge. The c.140_141delGCinsTT variant is not observed in large population cohorts (Lek et al., 2016). It results in the in-frame amino acid replacement of Serine 47 for Isoleucine, denoted p.Ser47Ile. S47I is a non-conservative amino acid substitution, which is likely to impact secondary protein structure as these residues differ in polarity, charge, size and/or other properties. This substitution occurs at a position that is not conserved. In silico analysis predicts this variant is probably damaging to the protein structure/function. In summary, based on the currently available information, it is unclear whether this variant is a pathogenic variant or a rare benign variant.